The following is an entry in ClinVar:

NM_005198.5(CHKB):c.1056_1058del (p.Phe352_Trp353delinsLeu)

Genes: CHKB (choline kinase beta; minus strand), CHKB-CPT1B (CHKB-CPT1B readthrough (NMD candidate); minus strand). Cytogenetic location: 22q13.33.
Variant type: Deletion.
Coding change: c.1056_1058del on transcript NM_005198.5 (MANE Select); coding-DNA positions 1056 to 1058, 3 bases deleted (CTG; older notation c.1056_1058delCTG).
Protein change: p.Phe352_Trp353delinsLeu.
Molecular consequence: inframe indel. On other transcripts: non-coding transcript variant (1).
Genome position (GRCh38, 1-based): chr22:50,579,481-50,579,483, CAG deleted on the plus strand (CTG on the coding strand, the reverse complement: CHKB is on the minus strand). VCF-style (leftmost placement, unchanged base first): chr22-50579480-CCAG-C. GRCh37 (hg19) VCF-style: chr22-51017909-CCAG-C.
Identifiers: ClinVar variation 1046959 (VCV001046959.6), dbSNP rs2070626704, ClinGen allele CA2410934837.

ClinVar aggregate classification (germline): Uncertain significance (1 of 4 stars; one submission).

Conditions:
Megaconial type congenital muscular dystrophy (MDCMC). Also called: CHKB-Related Muscular Dystrophy; CHKB-Related Muscle Diseases; MUSCULAR DYSTROPHY, CONGENITAL, WITH MITOCHONDRIAL STRUCTURAL ABNORMALITIES. Identifiers: Orphanet 280671, MedGen C1865233, MONDO:0011246, OMIM 602541.

Submission:

Labcorp Genetics (formerly Invitae), Labcorp
Classification: Uncertain significance for Megaconial type congenital muscular dystrophy. Last evaluated: 2018-03-07. Review status: criteria provided, single submitter. Criteria: Invitae Variant Classification Sherloc (09022015). Collection method: clinical testing. Allele origin: germline.
Comment: This variant is not present in population databases (ExAC no frequency). This variant has not been reported in the literature in individuals with CHKB-related disease. Experimental studies and prediction algorithms are not available for this variant, and the functional significance of the disrupted amino acids is currently unknown. In summary, the available evidence is currently insufficient to determine the role of this variant in disease. Therefore, it has been classified as a Variant of Uncertain Significance. This variant, c.1056_1058delCTG, results in the deletion of one amino acid of the CHKB protein (p.Phe352_Trp353delinsLeu), but otherwise preserves the integrity of the reading frame.